The following is an entry in ClinVar:

NM_000321.3(RB1):c.1832G>T (p.Arg611Ile)

Gene: RB1 (RB transcriptional corepressor 1; plus strand). Cytogenetic location: 13q14.2.
Variant type: single nucleotide variant.
Coding change: c.1832G>T on transcript NM_000321.3 (MANE Select); coding-DNA position 1832, G replaced by T.
Protein change: p.Arg611Ile; replaces arginine 611 with isoleucine.
Molecular consequence: missense variant.
Genome position (GRCh38, 1-based): chr13:48,456,221, G>T. VCF-style: chr13-48456221-G-T. GRCh37 (hg19) VCF-style: chr13-49030357-G-T.
Other names: c.1832G>T, p.Arg611Ile (NM_001407165.1); short protein forms R611I.
Identifiers: ClinVar variation 3231203 (VCV003231203.2), dbSNP rs1359386263, ClinGen allele CA388165720.

ClinVar aggregate classification (germline): Uncertain significance. Review status: criteria provided, multiple submitters, no conflicts (2 of 4 stars). 2 submissions from 2 submitters: Uncertain significance (2). Last evaluated 2025-03-02.

Conditions:
Hereditary cancer-predisposing syndrome. Also called: Neoplastic Syndromes, Hereditary; Tumor predisposition; Hereditary neoplastic syndrome; Hereditary Cancer Syndrome. Identifiers: Orphanet 140162, MedGen C0027672, MeSH D009386, MONDO:0015356.
Retinoblastoma (RB1). Also called: RETINOBLASTOMA, SOMATIC. Identifiers: Orphanet 790, MedGen C0035335, MeSH D012175, MONDO:0008380, OMIM 180200, HP:0009919. Disease mechanism: loss of function. Inheritance: Both sporadic and heritable forms are tested..

Submissions (2):

Labcorp Genetics (formerly Invitae), Labcorp
Classification: Uncertain significance for Retinoblastoma. Last evaluated: 2025-03-02. Review status: criteria provided, single submitter. Criteria: Invitae Variant Classification Sherloc (09022015). Collection method: clinical testing. Allele origin: germline.
Comment: This sequence change replaces arginine, which is basic and polar, with isoleucine, which is neutral and non-polar, at codon 611 of the RB1 protein (p.Arg611Ile). This variant is not present in population databases (gnomAD no frequency). This variant has not been reported in the literature in individuals affected with RB1-related conditions. ClinVar contains an entry for this variant (Variation ID: 3231203). Invitae Evidence Modeling of protein sequence and biophysical properties (such as structural, functional, and spatial information, amino acid conservation, physicochemical variation, residue mobility, and thermodynamic stability) indicates that this missense variant is not expected to disrupt RB1 protein function with a negative predictive value of 80%. In summary, the available evidence is currently insufficient to determine the role of this variant in disease. Therefore, it has been classified as a Variant of Uncertain Significance.

Ambry Genetics
Classification: Uncertain significance for Hereditary cancer-predisposing syndrome. Last evaluated: 2024-02-27. Review status: criteria provided, single submitter. Criteria: Ambry Variant Classification Scheme 2023. Collection method: clinical testing. Allele origin: germline.
Comment: The p.R611I variant (also known as c.1832G>T), located in coding exon 19 of the RB1 gene, results from a G to T substitution at nucleotide position 1832. The arginine at codon 611 is replaced by isoleucine, an amino acid with similar properties. This amino acid position is conserved. In addition, the in silico prediction for this alteration is inconclusive. Based on the available evidence, the clinical significance of this alteration remains unclear.